The following is an entry in ClinVar:

NM_001099274.3(TINF2):c.459_460del (p.Tyr154fs)

Gene: TINF2 (TERF1 interacting nuclear factor 2; minus strand). Cytogenetic location: 14q12.
Variant type: Deletion.
Coding change: c.459_460del on transcript NM_001099274.3 (MANE Select); coding-DNA positions 459 to 460, 2 bases deleted (GT; older notation c.459_460delGT).
Protein change: p.Tyr154fs; shifts the reading frame from tyrosine 154.
Molecular consequence: frameshift variant.
Genome position (GRCh38, 1-based): chr14:24,241,251-24,241,252, AC deleted on the plus strand (GT on the coding strand, the reverse complement: TINF2 is on the minus strand). VCF-style (leftmost placement, unchanged base first): chr14-24241250-TAC-T. GRCh37 (hg19) VCF-style: chr14-24710456-TAC-T.
Other names: c.354_355del, p.Tyr119fs (NM_001363668.2); c.459_460del, p.Tyr154fs (NM_012461.3); short protein forms Y119fs, Y154fs.
Identifiers: ClinVar variation 5017466 (VCV005017466.1).

ClinVar aggregate classification (germline): Uncertain significance (1 of 4 stars; one submission).

Submission:

GeneDx
Classification: Uncertain significance. Last evaluated: 2026-03-27. Review status: criteria provided, single submitter. Criteria: GeneDx Variant Classification Process June 2021. Collection method: clinical testing. Allele origin: germline.
Comment: Frameshift variant predicted to result in protein truncation or nonsense mediated decay in a gene or region of a gene for which loss of function is not a well-established mechanism of disease; Not observed at significant frequency in large population cohorts (gnomAD); Has not been previously published as pathogenic or benign to our knowledge